The following is an entry in ClinVar:

ClinVar aggregate classification (germline): Uncertain significance. Review status: criteria provided, multiple submitters, no conflicts (2 of 4 stars). 2 submissions from 2 submitters: Uncertain significance (2). Last evaluated 2026-04-16.

Conditions:
NOTCH2-related disorder. Also called: NOTCH2-related condition.

gnomAD v4.1: 4 of 1,614,174 alleles (0.00025%); highest among the groups gnomAD compares: Non-Finnish European, 0.00034%; no homozygotes.

Submissions (2):

GeneDx
Classification: Uncertain significance. Last evaluated: 2026-04-16. Review status: criteria provided, single submitter. Criteria: GeneDx Variant Classification Process June 2021. Collection method: clinical testing. Allele origin: germline.
Comment: Not observed at significant frequency in large population cohorts (gnomAD); In silico analysis suggests that this missense variant does not alter protein structure/function; Has not been previously published as pathogenic or benign to our knowledge

PreventionGenetics, part of Exact Sciences
Classification: Uncertain significance for NOTCH2-related condition. Last evaluated: 2026-03-12. Review status: criteria provided, single submitter. Criteria: ACMG Guidelines, 2015. Collection method: clinical testing. Allele origin: germline.
Comment: The NOTCH2 c.5434G>T variant is predicted to result in the amino acid substitution p.Ala1812Ser. To our knowledge, this variant has not been reported in the literature or in a large population database (gnomAD), indicating this variant is rare. At this time, the clinical significance of this variant is uncertain due to the absence of conclusive functional and genetic evidence.

NM_024408.4(NOTCH2):c.5434G>T (p.Ala1812Ser)

Gene: NOTCH2 (notch receptor 2; minus strand). Cytogenetic location: 1p12.
Variant type: single nucleotide variant.
Coding change: c.5434G>T on transcript NM_024408.4 (MANE Select); coding-DNA position 5434, G replaced by T.
Protein change: p.Ala1812Ser; replaces alanine 1812 with serine.
Molecular consequence: missense variant.
Genome position (GRCh38, 1-based): chr1:119,920,274, C>A on the plus strand (G>T on the coding strand, the complement: NOTCH2 is on the minus strand). VCF-style: chr1-119920274-C-A. GRCh37 (hg19) VCF-style: chr1-120462897-C-A.
Other names: short protein forms A1812S.
Identifiers: ClinVar variation 4992391 (VCV004992391.2).